The following is an entry in ClinVar:

NM_000083.3(CLCN1):c.174del (p.Thr59fs)

Gene: CLCN1 (chloride voltage-gated channel 1; plus strand). Cytogenetic location: 7q34.
Variant type: Deletion.
Coding change: c.174del on transcript NM_000083.3 (MANE Select); coding-DNA position 174, one base deleted (C; older notation c.174delC).
Protein change: p.Thr59fs; shifts the reading frame from threonine 59.
Molecular consequence: frameshift variant. On other transcripts: non-coding transcript variant (1).
Genome position (GRCh38, 1-based): chr7:143,316,386, C deleted; the last of 4 consecutive C bases (chr7:143,316,383-143,316,386); deleting any one gives the same sequence. VCF-style (leftmost placement, unchanged base first): chr7-143316382-AC-A. GRCh37 (hg19) VCF-style: chr7-143013475-AC-A.
Other names: short protein forms T59fs.
Identifiers: ClinVar variation 2128710 (VCV002128710.4), dbSNP rs2487015952, ClinGen allele CA2580077620.

ClinVar aggregate classification (germline): Pathogenic (1 of 4 stars; one submission).

Conditions:
Congenital myotonia, autosomal recessive form. Also called: BECKER DISEASE; Becker Generalized Myotonia; myotonia congenita, autosomal recessive. Identifiers: Orphanet 614, MedGen C0751360, MONDO:0009715, OMIM 255700.
Congenital myotonia, autosomal dominant form (THD). Also called: THOMSEN DISEASE; Myotonia congenita autosomal dominant. Identifiers: Orphanet 614, MedGen C2936781, MONDO:0008055, OMIM 160800.

Submission:

Labcorp Genetics (formerly Invitae), Labcorp
Classification: Pathogenic for Congenital myotonia, autosomal recessive form; Congenital myotonia, autosomal dominant form. Last evaluated: 2022-04-21. Review status: criteria provided, single submitter. Criteria: Invitae Variant Classification Sherloc (09022015). Collection method: clinical testing. Allele origin: germline.
Comment: This variant has not been reported in the literature in individuals affected with CLCN1-related conditions. This variant is not present in population databases (gnomAD no frequency). This sequence change creates a premature translational stop signal (p.Thr59Hisfs*18) in the CLCN1 gene. It is expected to result in an absent or disrupted protein product. Loss-of-function variants in CLCN1 are known to be pathogenic (PMID: 17932099, 22094069, 23739125). For these reasons, this variant has been classified as Pathogenic.

Literature cited by the submitters: PubMed 17932099; PubMed 22094069; PubMed 23739125.